The following is an entry in ClinVar:

ClinVar aggregate classification (germline): Uncertain significance. Review status: criteria provided, multiple submitters, no conflicts (2 of 4 stars). 2 submissions from 2 submitters: Uncertain significance (2). Last evaluated 2022-09-05.

Allele frequency attached by ClinVar (database versions not stated): gnomAD 0.00001; TOPMed 0.00002; gnomAD exomes 0.00004.
gnomAD v4.1: 65 of 1,612,722 alleles (0.004%); highest among the groups gnomAD compares: Non-Finnish European, 0.0054%; no homozygotes.

Submissions (2):

Blueprint Genetics
Classification: Uncertain significance. Last evaluated: 2022-09-05. Review status: criteria provided, single submitter. Criteria: ACMG Guidelines, 2015. Collection method: clinical testing. Allele origin: germline.

Labcorp Genetics (formerly Invitae), Labcorp
Classification: Uncertain significance. Last evaluated: 2022-02-18. Review status: criteria provided, single submitter. Criteria: Invitae Variant Classification Sherloc (09022015). Collection method: clinical testing. Allele origin: germline.
Comment: This sequence change replaces methionine, which is neutral and non-polar, with valine, which is neutral and non-polar, at codon 352 of the NR2E3 protein (p.Met352Val). This variant is present in population databases (no rsID available, gnomAD 0.0009%). This variant has not been reported in the literature in individuals affected with NR2E3-related conditions. Experimental studies and prediction algorithms are not available or were not evaluated, and the functional significance of this variant is currently unknown. In summary, the available evidence is currently insufficient to determine the role of this variant in disease. Therefore, it has been classified as a Variant of Uncertain Significance.

NM_014249.4(NR2E3):c.1054A>G (p.Met352Val)

Gene: NR2E3 (nuclear receptor subfamily 2 group E member 3; plus strand). Cytogenetic location: 15q23.
Variant type: single nucleotide variant.
Coding change: c.1054A>G on transcript NM_014249.4 (MANE Select); coding-DNA position 1054, A replaced by G.
Protein change: p.Met352Val; replaces methionine 352 with valine.
Molecular consequence: missense variant.
Genome position (GRCh38, 1-based): chr15:71,814,071, A>G. VCF-style: chr15-71814071-A-G. GRCh37 (hg19) VCF-style: chr15-72106412-A-G.
Other names: c.1054A>G, p.Met352Val (NM_016346.4); short protein forms M352V.
Identifiers: ClinVar variation 2142001 (VCV002142001.2), dbSNP rs933384956, ClinGen allele CA272575759.